The following is an entry in ClinVar:

ClinVar aggregate classification (germline): Uncertain significance (1 of 4 stars; one submission).

Conditions:
Cardiovascular phenotype. Identifiers: MedGen CN230736.

Submission:

Ambry Genetics
Classification: Uncertain significance for Cardiovascular phenotype. Last evaluated: 2023-04-13. Review status: criteria provided, single submitter. Criteria: Ambry Variant Classification Scheme 2023. Collection method: clinical testing. Allele origin: germline.
Comment: The p.R3420K variant (also known as c.10259G>A), located in coding exon 38 of the ANK2 gene, results from a G to A substitution at nucleotide position 10259. The arginine at codon 3420 is replaced by lysine, an amino acid with highly similar properties. This amino acid position is conserved. In addition, this alteration is predicted to be tolerated by in silico analysis. Since supporting evidence is limited at this time, the clinical significance of this alteration remains unclear.

NM_001148.6(ANK2):c.10259G>A (p.Arg3420Lys)

Gene: ANK2 (ankyrin 2; plus strand). Cytogenetic location: 4q26.
Variant type: single nucleotide variant.
Coding change: c.10259G>A on transcript NM_001148.6 (MANE Select); coding-DNA position 10259, G replaced by A.
Protein change: p.Arg3420Lys; replaces arginine 3420 with lysine.
Molecular consequence: missense variant. On other transcripts: intron variant (68).
Genome position (GRCh38, 1-based): chr4:113,358,877, G>A. VCF-style: chr4-113358877-G-A. GRCh37 (hg19) VCF-style: chr4-114280033-G-A.
Other names: c.4463-1946G>A (NM_001354232.2); c.4328-1946G>A (NM_001354228.2, NM_001354258.2); c.4265-1946G>A (NM_001354245.2, NM_001354262.2, NM_001354275.2); c.4229-1946G>A (NM_001354268.2); c.4127-1946G>A (NM_001354273.2); c.4427-1946G>A (NM_020977.5); c.4484-1946G>A (NM_001386152.1); c.4505-1946G>A (NM_001354237.2); and 35 more; short protein forms R3342K, R3420K, R3459K, R2220K, R3467K.
Identifiers: ClinVar variation 2565300 (VCV002565300.2), dbSNP rs1313315509, ClinGen allele CA357940024.